The following is an entry in ClinVar:

ClinVar aggregate classification (germline): Uncertain significance (1 of 4 stars; one submission).

Submission:

GeneDx
Classification: Uncertain significance. Last evaluated: 2022-02-24. Review status: criteria provided, single submitter. Criteria: GeneDx Variant Classification Process June 2021. Collection method: clinical testing. Allele origin: germline. Affected: yes.
Comment: Not observed at significant frequency in large population cohorts (gnomAD); In silico analysis supports that this missense variant has a deleterious effect on protein structure/function; Has not been previously published as pathogenic or benign to our knowledge

NM_013275.6(ANKRD11):c.56G>T (p.Ser19Ile)

Gene: ANKRD11 (ankyrin repeat domain containing 11; minus strand). Cytogenetic location: 16q24.3.
Variant type: single nucleotide variant.
Coding change: c.56G>T on transcript NM_013275.6 (MANE Select); coding-DNA position 56, G replaced by T.
Protein change: p.Ser19Ile; replaces serine 19 with isoleucine.
Molecular consequence: missense variant. On other transcripts: non-coding transcript variant (1).
Genome position (GRCh38, 1-based): chr16:89,316,964, C>A on the plus strand (G>T on the coding strand, the complement: ANKRD11 is on the minus strand). VCF-style: chr16-89316964-C-A. GRCh37 (hg19) VCF-style: chr16-89383372-C-A.
Other names: c.56G>T, p.Ser19Ile (NM_001256182.2, NM_001256183.2); short protein forms S19I.
Identifiers: ClinVar variation 1704061 (VCV001704061.2), dbSNP rs2544550642, ClinGen allele CA397166678.